The following is an entry in ClinVar:

NM_000465.4(BARD1):c.653G>A (p.Trp218Ter)

Gene: BARD1 (BRCA1 associated RING domain 1; minus strand). Cytogenetic location: 2q35.
Variant type: single nucleotide variant.
Coding change: c.653G>A on transcript NM_000465.4 (MANE Select); coding-DNA position 653, G replaced by A.
Protein change: p.Trp218Ter; replaces tryptophan 218 with a stop codon.
Molecular consequence: nonsense. On other transcripts: non-coding transcript variant (2), intron variant (3).
Genome position (GRCh38, 1-based): chr2:214,781,221, C>T on the plus strand (G>A on the coding strand, the complement: BARD1 is on the minus strand). VCF-style: chr2-214781221-C-T. GRCh37 (hg19) VCF-style: chr2-215645945-C-T.
Other names: c.596G>A, p.Trp199Ter (NM_001282543.2); c.158+28191G>A (NM_001282548.2); c.215+15840G>A (NM_001282545.2); c.364+11076G>A (NM_001282549.2); short protein forms W218*, W199*.
Identifiers: ClinVar variation 482781 (VCV000482781.18), dbSNP rs1553622534, ClinGen allele CA350456572.

ClinVar aggregate classification (germline): Pathogenic/Likely pathogenic. Review status: criteria provided, multiple submitters, no conflicts (2 of 4 stars). 5 submissions from 5 submitters: Pathogenic (3); Likely pathogenic (2). Last evaluated 2025-02-28.

Conditions:
Hereditary cancer-predisposing syndrome. Also called: Hereditary neoplastic syndrome; Tumor predisposition; Neoplastic Syndromes, Hereditary; Hereditary Cancer Syndrome. Identifiers: Orphanet 140162, MedGen C0027672, MeSH D009386, MONDO:0015356.
Familial cancer of breast. Also called: hereditary breast carcinoma; BREAST CANCER, FAMILIAL; Hereditary breast cancer. Identifiers: Orphanet 227535, MedGen C0346153, MONDO:0016419, OMIM 114480. Disease mechanism: loss of function.

Submissions (5):

Ambry Genetics
Classification: Pathogenic for Hereditary cancer-predisposing syndrome. Last evaluated: 2025-02-28. Review status: criteria provided, single submitter. Criteria: Ambry Variant Classification Scheme 2023. Collection method: clinical testing. Allele origin: germline.
Comment: The p.W218* pathogenic mutation (also known as c.653G>A), located in coding exon 4 of the BARD1 gene, results from a G to A substitution at nucleotide position 653. This changes the amino acid from a tryptophan to a stop codon within coding exon 4. This variant is considered to be rare based on population cohorts in the Genome Aggregation Database (gnomAD). This alteration is expected to result in loss of function by premature protein truncation or nonsense-mediated mRNA decay. As such, this alteration is interpreted as a disease-causing mutation.

Myriad Genetics, Inc.
Classification: Pathogenic for Familial cancer of breast. Last evaluated: 2023-05-19. Review status: criteria provided, single submitter. Criteria: Myriad Autosomal Dominant, Autosomal Recessive and X-Linked Classification Criteria (2023). Collection method: clinical testing. Allele origin: unknown.
Comment: This variant is considered pathogenic. This variant creates a termination codon and is predicted to result in premature protein truncation.

Baylor Genetics
Classification: Likely pathogenic for Familial cancer of breast. Last evaluated: 2022-06-05. Review status: criteria provided, single submitter. Criteria: ACMG Guidelines, 2015. Collection method: clinical testing. Allele origin: unknown.

Labcorp Genetics (formerly Invitae), Labcorp
Classification: Pathogenic for Familial cancer of breast. Last evaluated: 2021-02-20. Review status: criteria provided, single submitter. Criteria: Invitae Variant Classification Sherloc (09022015). Collection method: clinical testing. Allele origin: germline.
Comment: For these reasons, this variant has been classified as Pathogenic. This variant has not been reported in the literature in individuals with BARD1-related conditions. ClinVar contains an entry for this variant (Variation ID: 482781). This variant is not present in population databases (ExAC no frequency). This sequence change creates a premature translational stop signal (p.Trp218*) in the BARD1 gene. It is expected to result in an absent or disrupted protein product. Loss-of-function variants in BARD1 are known to be pathogenic (PMID: 20077502, 21344236).

Juno Genomics, Hangzhou Juno Genomics, Inc
Classification: Likely pathogenic for Familial cancer of breast. Review status: criteria provided, single submitter. Criteria: ACMG Guidelines, 2015. Collection method: clinical testing. Allele origin: germline.
Comment: Absent from controls (or at extremely low frequency if recessive) in Genome Aggregation Database.;Null variant in a gene where loss of function (LOF) is a known mechanism of disease.

Literature cited by the submitters: PubMed 20077502 (cited by Labcorp Genetics (formerly Invitae), Labcorp); PubMed 21344236 (cited by Labcorp Genetics (formerly Invitae), Labcorp).